The following is an entry in ClinVar:

NM_005529.7(HSPG2):c.2952_2953del (p.Leu985fs)

Gene: HSPG2 (heparan sulfate proteoglycan 2; minus strand). Cytogenetic location: 1p36.12.
Variant type: Microsatellite.
Coding change: c.2952_2953del on transcript NM_005529.7 (MANE Select); coding-DNA positions 2952 to 2953, 2 bases deleted (CT; older notation c.2952_2953delCT).
Protein change: p.Leu985fs; shifts the reading frame from leucine 985.
Molecular consequence: frameshift variant.
Genome position (GRCh38, 1-based): chr1:21,876,279-21,876,280, AG deleted on the plus strand (CT on the coding strand, the reverse complement: HSPG2 is on the minus strand); deleting any 2 consecutive bases within chr1:21,876,279-21,876,282 gives the same sequence; the c. name uses the placement nearest the transcript's 3' end. VCF-style (leftmost placement, unchanged base first): chr1-21876278-AAG-A. GRCh37 (hg19) VCF-style: chr1-22202771-AAG-A.
Other names: c.2955_2956del, p.Leu986fs (NM_001291860.2); short protein forms L985fs, L986fs.
Identifiers: ClinVar variation 5041505 (VCV005041505.1).

ClinVar aggregate classification (germline): Pathogenic (1 of 4 stars; one submission).

Submission:

CeGaT Center for Human Genetics Tuebingen
Classification: Pathogenic. Last evaluated: 2026-09-01. Review status: criteria provided, single submitter. Criteria: CeGaT Center For Human Genetics Tuebingen Variant Classification Criteria Version 2. Collection method: clinical testing. Allele origin: germline. Affected: yes. Observed: 1 variant allele.
Comment: HSPG2: PVS1, PM2, PP4